The following is an entry in ClinVar:

ClinVar aggregate classification (germline): Likely pathogenic (1 of 4 stars; one submission).

Submission:

GeneDx
Classification: Likely pathogenic. Last evaluated: 2022-02-18. Review status: criteria provided, single submitter. Criteria: GeneDx Variant Classification Process June 2021. Collection method: clinical testing. Allele origin: germline. Affected: yes.
Comment: Frameshift variant predicted to result in protein truncation, as the last 52 amino acids are replaced with 5 different amino acids, and other loss-of-function variants have been reported downstream in HGMD; Not observed at significant frequency in large population cohorts (gnomAD); Has not been previously published as pathogenic or benign to our knowledge

NM_003002.4(SDHD):c.321dup (p.Gly108fs)

Gene: SDHD (succinate dehydrogenase complex subunit D; plus strand). Cytogenetic location: 11q23.1.
Variant type: Duplication.
Coding change: c.321dup on transcript NM_003002.4 (MANE Select); coding-DNA position 321, one base duplicated (T; older notation c.321dupT).
Protein change: p.Gly108fs; shifts the reading frame from glycine 108.
Molecular consequence: frameshift variant. On other transcripts: 3 prime UTR variant (1), non-coding transcript variant (1).
Genome position (GRCh38, 1-based): chr11:112,094,811, T duplicated; the last of 2 consecutive T bases (chr11:112,094,810-112,094,811); duplicating either gives the same sequence. VCF-style (leftmost placement, unchanged base first): chr11-112094809-C-CT. GRCh37 (hg19) VCF-style: chr11-111965533-C-CT.
Other names: c.176dup, p.Leu59fs (NM_001276503.2); c.204dup, p.Gly69fs (NM_001276504.2); c.*19dup (NM_001276506.2); short protein forms G108fs, G69fs, L59fs.
Identifiers: ClinVar variation 1702547 (VCV001702547.2), dbSNP rs2135277367, ClinGen allele CA2580083511.